The following is an entry in ClinVar:

ClinVar aggregate classification (germline): Pathogenic (1 of 4 stars; one submission).

Conditions:
Joubert syndrome. Also called: CEREBELLOPARENCHYMAL DISORDER IV; JOUBERT-BOLTSHAUSER SYNDROME; Familial aplasia of the vermis. Identifiers: Orphanet 475, MedGen C5979921, MONDO:0018772.
Nephronophthisis. Also called: Juvenile Nephronophthisis. Identifiers: Orphanet 655, MedGen C0687120, MONDO:0019005, HP:0000090.
Meckel-Gruber syndrome. Also called: DYSENCEPHALIA SPLANCHNOCYSTICA; GRUBER SYNDROME; Dysencephalia splachnocystica. Identifiers: Orphanet 564, MedGen C0265215, MONDO:0018921.

Submission:

Labcorp Genetics (formerly Invitae), Labcorp
Classification: Pathogenic for Joubert syndrome; Meckel-Gruber syndrome; Nephronophthisis. Last evaluated: 2023-11-06. Review status: criteria provided, single submitter. Criteria: Invitae Variant Classification Sherloc (09022015). Collection method: clinical testing. Allele origin: germline.
Comment: This sequence change creates a premature translational stop signal (p.Met366Cysfs*6) in the CEP290 gene. It is expected to result in an absent or disrupted protein product. Loss-of-function variants in CEP290 are known to be pathogenic (PMID: 16909394, 17345604, 20690115). This variant is not present in population databases (gnomAD no frequency). This variant has not been reported in the literature in individuals affected with CEP290-related conditions. For these reasons, this variant has been classified as Pathogenic.

Literature cited by the submitters: PubMed 16909394; PubMed 17345604; PubMed 20690115.

NM_025114.4(CEP290):c.1096del (p.Met366fs)

Gene: CEP290 (centrosomal protein 290; minus strand). Cytogenetic location: 12q21.32.
Variant type: Deletion.
Coding change: c.1096del on transcript NM_025114.4 (MANE Select); coding-DNA position 1096, one base deleted (A; older notation c.1096delA).
Protein change: p.Met366fs; shifts the reading frame from methionine 366.
Molecular consequence: frameshift variant.
Genome position (GRCh38, 1-based): chr12:88,125,339, T deleted on the plus strand (A on the coding strand, the reverse complement: CEP290 is on the minus strand). VCF-style (leftmost placement, unchanged base first): chr12-88125338-AT-A. GRCh37 (hg19) VCF-style: chr12-88519115-AT-A.
Other names: short protein forms M366fs.
Identifiers: ClinVar variation 2953613 (VCV002953613.3), dbSNP rs2501278271, ClinGen allele CA2740092524.